The following is an entry in ClinVar:

NM_004082.5(DCTN1):c.3254G>A (p.Gly1085Glu)

Gene: DCTN1 (dynactin subunit 1; minus strand). Cytogenetic location: 2p13.1.
Variant type: single nucleotide variant.
Coding change: c.3254G>A on transcript NM_004082.5 (MANE Select); coding-DNA position 3254, G replaced by A.
Protein change: p.Gly1085Glu; replaces glycine 1085 with glutamic acid.
Molecular consequence: missense variant. On other transcripts: non-coding transcript variant (1).
Genome position (GRCh38, 1-based): chr2:74,363,385, C>T on the plus strand (G>A on the coding strand, the complement: DCTN1 is on the minus strand). VCF-style: chr2-74363385-C-T. GRCh37 (hg19) VCF-style: chr2-74590512-C-T.
Other names: c.3179G>A, p.Gly1060Glu (NM_001135040.3); c.2837G>A, p.Gly946Glu (NM_001135041.3); c.3128G>A, p.Gly1043Glu (NM_001190836.2); c.3233G>A, p.Gly1078Glu (NM_001190837.2); c.3203G>A, p.Gly1068Glu (NM_001378991.1); c.3185G>A, p.Gly1062Glu (NM_001378992.1); c.2852G>A, p.Gly951Glu (NM_023019.4); short protein forms G1043E, G1085E, G951E, G946E, G1060E, G1078E, G1062E, G1068E.
Identifiers: ClinVar variation 536151 (VCV000536151.8), dbSNP rs1274754432, ClinGen allele CA347337908.
Genomic context (GRCh38, chr2:74,363,385, plus strand): 5'-GAGATGTGCAGCCTCATGGCAGAGATCTGCTGAAGCAGCAGTGGTGAGTCCTTCACCAGC[C>T]CTGGGCCTGGCACAGACCCTGGAGCCTGCCCAGGGATGGCTCCTGTGGGGACCATAAAAA-3'
Protein context (NP_004073.2, residues 1075-1095): GQAPGSVPGP[Gly1085Glu]LVKDSPLLLQ

ClinVar aggregate classification (germline): Uncertain significance. Review status: criteria provided, multiple submitters, no conflicts (2 of 4 stars). 2 submissions from 2 submitters: Uncertain significance (2). Last evaluated 2024-07-17.

Conditions:
Amyotrophic lateral sclerosis type 1 (ALS1). Also called: AMYOTROPHIC LATERAL SCLEROSIS 1, FAMILIAL. Identifiers: Orphanet 803, MedGen C1862939, MONDO:0007103, OMIM 105400.
Neuronopathy, distal hereditary motor, type 7B. Also called: HMN VIIB; LOWER MOTOR NEURON DISEASE, DYNACTIN TYPE; Distal Hereditary Motor Neuronopathy Type 7B (dHMN7B); NEURONOPATHY, DISTAL HEREDITARY MOTOR, AUTOSOMAL DOMINANT 14; NEURONOPATHY, DISTAL HEREDITARY MOTOR, HARDING TYPE VIIB; NEUROPATHY, DISTAL HEREDITARY MOTOR, HARDING TYPE VIIB. Identifiers: Orphanet 139589, MedGen C1843315, MONDO:0011879, OMIM 607641.
Perry syndrome. Also called: PARKINSONISM WITH ALVEOLAR HYPOVENTILATION AND MENTAL DEPRESSION. Identifiers: Orphanet 178509, MedGen C1868594, MONDO:0008201, OMIM 168605.
Inborn genetic diseases. Identifiers: MedGen C0950123, MeSH D030342.

Allele frequency attached by ClinVar (database versions not stated): gnomAD 0.00001; gnomAD exomes 0.00001; TOPMed 0.00001.
gnomAD v4.1: 10 of 1,612,438 alleles (0.00062%); highest among the groups gnomAD compares: Non-Finnish European, 0.00085%; no homozygotes.

Submissions (2):

Ambry Genetics
Classification: Uncertain significance for Inborn genetic diseases. Last evaluated: 2024-07-17. Review status: criteria provided, single submitter. Criteria: Ambry Variant Classification Scheme 2023. Collection method: clinical testing. Allele origin: germline.

Labcorp Genetics (formerly Invitae), Labcorp
Classification: Uncertain significance for Amyotrophic lateral sclerosis type 1; Neuronopathy, distal hereditary motor, type 7B; Perry syndrome. Last evaluated: 2024-04-11. Review status: criteria provided, single submitter. Criteria: Invitae Variant Classification Sherloc (09022015). Collection method: clinical testing. Allele origin: germline.
Comment: This sequence change replaces glycine, which is neutral and non-polar, with glutamic acid, which is acidic and polar, at codon 1085 of the DCTN1 protein (p.Gly1085Glu). This variant is present in population databases (no rsID available, gnomAD 0.0008%). This variant has not been reported in the literature in individuals affected with DCTN1-related conditions. ClinVar contains an entry for this variant (Variation ID: 536151). Advanced modeling of protein sequence and biophysical properties (such as structural, functional, and spatial information, amino acid conservation, physicochemical variation, residue mobility, and thermodynamic stability) performed at Invitae indicates that this missense variant is not expected to disrupt DCTN1 protein function with a negative predictive value of 80%. In summary, the available evidence is currently insufficient to determine the role of this variant in disease. Therefore, it has been classified as a Variant of Uncertain Significance.